The following is an entry in ClinVar:

NM_001042681.2(RERE):c.3650_3679del (p.Leu1217_Gly1226del)

Gene: RERE (arginine-glutamic acid dipeptide repeats; minus strand). Cytogenetic location: 1p36.23.
Variant type: Deletion.
Coding change: c.3650_3679del on transcript NM_001042681.2 (MANE Select); coding-DNA positions 3650 to 3679, 30 bases deleted (TCAGTGACCCACAGCTCAGTGGTCCTGGCC).
Protein change: p.Leu1217_Gly1226del.
Molecular consequence: inframe deletion.
Genome position (GRCh38, 1-based): chr1:8,358,856-8,358,885, GGCCAGGACCACTGAGCTGTGGGTCACTGA deleted on the plus strand (TCAGTGACCCACAGCTCAGTGGTCCTGGCC on the coding strand, the reverse complement: RERE is on the minus strand); deleting any 30 consecutive bases within chr1:8,358,856-8,358,888 gives the same sequence; the c. name uses the placement nearest the transcript's 3' end. VCF-style (leftmost placement, unchanged base first): chr1-8358855-TGGCCAGGACCACTGAGCTGTGGGTCACTGA-T. GRCh37 (hg19) VCF-style: chr1-8418915-TGGCCAGGACCACTGAGCTGTGGGTCACTGA-T.
Other names: c.1988_2017del, p.Leu663_Gly672del (NM_001042682.2); c.3650_3679del, p.Leu1217_Gly1226del (NM_012102.4); c.3650_3679del30 (NM_012102.3).
Identifiers: ClinVar variation 2190637 (VCV002190637.6), dbSNP rs1557583707, ClinGen allele CA521020057.

ClinVar aggregate classification (germline): Conflicting classifications of pathogenicity. Review status: criteria provided, conflicting classifications (1 of 4 stars). 3 submissions from 3 submitters: Likely pathogenic (1); Uncertain significance (2). Last evaluated 2026-01-19.

Conditions:
Neurodevelopmental disorder with or without anomalies of the brain, eye, or heart (NEDBEH). Identifiers: Orphanet 494344, MedGen C5567477, MONDO:0014857, OMIM 616975.
Inborn genetic diseases. Identifiers: MedGen C0950123, MeSH D030342.

Submissions (3):

Labcorp Genetics (formerly Invitae), Labcorp
Classification: Uncertain significance. Last evaluated: 2026-01-19. Review status: criteria provided, single submitter. Criteria: Invitae Variant Classification Sherloc (09022015). Collection method: clinical testing. Allele origin: germline.
Comment: This variant, c.3650_3679del, results in the deletion of 10 amino acid(s) of the RERE protein (p.Leu1217_Gly1226del), but otherwise preserves the integrity of the reading frame. This variant is present in population databases (no rsID available, gnomAD 0.006%). This variant has not been reported in the literature in individuals affected with RERE-related conditions. ClinVar contains an entry for this variant (Variation ID: 2190637). Experimental studies and prediction algorithms are not available or were not evaluated, and the functional significance of this variant is currently unknown. In summary, the available evidence is currently insufficient to determine the role of this variant in disease. Therefore, it has been classified as a Variant of Uncertain Significance.

Daryl Scott Lab, Baylor College of Medicine
Classification: Likely pathogenic for Neurodevelopmental disorder with or without anomalies of the brain, eye, or heart. Last evaluated: 2025-08-05. Review status: criteria provided, single submitter. Criteria: ACMG Guidelines, 2015. Collection method: clinical testing. Allele origin: de novo. Affected: yes. Observed: 1 heterozygote.
Comment: PS2, PM2

Ambry Genetics
Classification: Uncertain significance for Inborn genetic diseases. Last evaluated: 2022-11-15. Review status: criteria provided, single submitter. Criteria: Ambry Variant Classification Scheme 2023. Collection method: clinical testing. Allele origin: germline.
Comment: The c.3650_3679del30 (p.L1217_G1226del) alteration is located in exon 21 (coding exon 19) of the RERE gene. This alteration consists of an in-frame deletion of 30 nucleotides between nucleotide positions c.3650 and c.3679, resulting in the deletion of <NA> residues. Based on insufficient or conflicting evidence, the clinical significance of this alteration remains unclear.